The following is an entry in ClinVar:

NM_006030.4(CACNA2D2):c.3205C>T (p.His1069Tyr)

Genes: CACNA2D2 (calcium voltage-gated channel auxiliary subunit alpha2delta 2; minus strand), LOC127898564 (CYB561D2-LOC101928965; plus strand). Cytogenetic location: 3p21.31.
Variant type: single nucleotide variant.
Coding change: c.3205C>T on transcript NM_006030.4 (MANE Select); coding-DNA position 3205, C replaced by T.
Protein change: p.His1069Tyr; replaces histidine 1069 with tyrosine.
Molecular consequence: missense variant.
Genome position (GRCh38, 1-based): chr3:50,365,078, G>A on the plus strand (C>T on the coding strand, the complement: CACNA2D2 is on the minus strand). VCF-style: chr3-50365078-G-A. GRCh37 (hg19) VCF-style: chr3-50402509-G-A.
Other names: c.3205C>T, p.His1069Tyr (NM_001005505.3); c.3226C>T, p.His1076Tyr (NM_001174051.3); c.2998C>T, p.His1000Tyr (NM_001291101.1); c.3208C>T, p.His1070Tyr (NM_001410768.1); short protein forms H1000Y, H1069Y, H1070Y, H1076Y.
Identifiers: ClinVar variation 2173697 (VCV002173697.4), dbSNP rs779004608, ClinGen allele CA2418184.
Genomic context (GRCh38, chr3:50,365,078, plus strand): 5'-GAGGGGGCGCGCGGGGCAGAGGGGGAGCGGGCGGCGGGGAGGGCGGGGGCAGGATACAGT[G>A]CGTCTCCTTCTGCAGCAGCCGGCCAGCCTCGCACTGGCTGCACAGCGGCTTCTCGGCCAC-3'
Protein context (NP_006021.2, residues 1059-1079): EAGRLLQKET[His1069Tyr]SDGPEQCELV

ClinVar aggregate classification (germline): Uncertain significance (1 of 4 stars; one submission).

Conditions:
Early-infantile DEE. Also called: Ohtahara syndrome; Early infantile epileptic encephalopathy; Early infantile epileptic encephalopathy with suppression bursts. Identifiers: Orphanet 1934, MedGen C0393706, MONDO:0800491.

Allele frequency attached by ClinVar (database versions not stated): gnomAD 0.00001; TOPMed 0.00001; ExAC 0.00002.
gnomAD v4.1: 45 of 1,610,372 alleles (0.0028%); highest among the groups gnomAD compares: Non-Finnish European, 0.0036%; no homozygotes.

Submission:

Labcorp Genetics (formerly Invitae), Labcorp
Classification: Uncertain significance for Early-infantile DEE. Last evaluated: 2026-01-05. Review status: criteria provided, single submitter. Criteria: Invitae Variant Classification Sherloc (09022015). Collection method: clinical testing. Allele origin: germline.
Comment: This sequence change replaces histidine, which is basic and polar, with tyrosine, which is neutral and polar, at codon 1069 of the CACNA2D2 protein (p.His1069Tyr). This variant is present in population databases (rs779004608, gnomAD 0.003%). This variant has not been reported in the literature in individuals affected with CACNA2D2-related conditions. ClinVar contains an entry for this variant (Variation ID: 2173697). An algorithm developed to predict the effect of missense changes on protein structure and function (PolyPhen-2) suggests that this variant is likely to be tolerated. Algorithms developed to predict the effect of sequence changes on RNA splicing suggest that this variant may create or strengthen a splice site. In summary, the available evidence is currently insufficient to determine the role of this variant in disease. Therefore, it has been classified as a Variant of Uncertain Significance.